The following is an entry in ClinVar:

ClinVar aggregate classification (germline): Uncertain significance. Review status: criteria provided, multiple submitters, no conflicts (2 of 4 stars). 3 submissions from 3 submitters: Uncertain significance (3). Last evaluated 2024-12-24.

Allele frequency attached by ClinVar (database versions not stated): ExAC 0.00002; gnomAD exomes 0.00002 and 0.00007; TOPMed 0.00002; gnomAD 0.00005.
gnomAD v4.1: 107 of 1,612,616 alleles (0.0066%); highest among the groups gnomAD compares: Non-Finnish European, 0.0088%; 1 homozygote.

Submissions (3):

Mayo Clinic Laboratories, Mayo Clinic
Classification: Uncertain significance. Last evaluated: 2024-12-24. Review status: criteria provided, single submitter. Criteria: ACMG Guidelines, 2015. Collection method: clinical testing. Allele origin: germline. Observed: 1 variant allele.
Comment: BP4_moderate, PM2_supporting

Blueprint Genetics
Classification: Uncertain significance. Last evaluated: 2023-11-02. Review status: criteria provided, single submitter. Criteria: ACMG Guidelines, 2015. Collection method: clinical testing. Allele origin: germline.

Labcorp Genetics (formerly Invitae), Labcorp
Classification: Uncertain significance. Last evaluated: 2022-09-19. Review status: criteria provided, single submitter. Criteria: Invitae Variant Classification Sherloc (09022015). Collection method: clinical testing. Allele origin: germline.
Comment: This variant has not been reported in the literature in individuals affected with SBF1-related conditions. This variant is present in population databases (rs776108357, gnomAD 0.007%). This sequence change replaces threonine, which is neutral and polar, with alanine, which is neutral and non-polar, at codon 678 of the SBF1 protein (p.Thr678Ala). ClinVar contains an entry for this variant (Variation ID: 1422705). In summary, the available evidence is currently insufficient to determine the role of this variant in disease. Therefore, it has been classified as a Variant of Uncertain Significance. Advanced modeling of protein sequence and biophysical properties (such as structural, functional, and spatial information, amino acid conservation, physicochemical variation, residue mobility, and thermodynamic stability) performed at Invitae indicates that this missense variant is expected to disrupt SBF1 protein function.

NM_002972.4(SBF1):c.2032A>G (p.Thr678Ala)

Gene: SBF1 (SET binding factor 1; minus strand). Cytogenetic location: 22q13.33.
Variant type: single nucleotide variant.
Coding change: c.2032A>G on transcript NM_002972.4 (MANE Select); coding-DNA position 2032, A replaced by G.
Protein change: p.Thr678Ala; replaces threonine 678 with alanine.
Molecular consequence: missense variant.
Genome position (GRCh38, 1-based): chr22:50,462,654, T>C on the plus strand (A>G on the coding strand, the complement: SBF1 is on the minus strand). VCF-style: chr22-50462654-T-C. GRCh37 (hg19) VCF-style: chr22-50901083-T-C.
Other names: p.Thr678Ala; c.2035A>G, p.Thr679Ala (NM_001365819.1); short protein forms T678A, T679A.
Identifiers: ClinVar variation 1422705 (VCV001422705.6), dbSNP rs776108357, ClinGen allele CA10317387.